The following is an entry in ClinVar:

ClinVar aggregate classification (germline): Likely benign. Review status: criteria provided, multiple submitters, no conflicts (2 of 4 stars). 2 submissions from 2 submitters: Likely benign (2). Last evaluated 2026-01-19.

Conditions:
Long QT syndrome (LQTS). Identifiers: MedGen C0023976, MeSH D008133, MONDO:0002442. Disease mechanism: loss of function. Inheritance: Various modes of inheritance.
ANK2-related disorder. Also called: ANK2-related condition.

Submissions (2):

Labcorp Genetics (formerly Invitae), Labcorp
Classification: Likely benign for Long QT syndrome. Last evaluated: 2026-01-19. Review status: criteria provided, single submitter. Criteria: Invitae Variant Classification Sherloc (09022015). Collection method: clinical testing. Allele origin: germline.

PreventionGenetics, part of Exact Sciences
Classification: Likely benign for ANK2-related condition. Last evaluated: 2024-10-11. Review status: criteria provided, single submitter. Criteria: ACMG Guidelines, 2015. Collection method: clinical testing. Allele origin: germline.
Comment: This variant is classified as likely benign based on ACMG/AMP sequence variant interpretation guidelines (Richards et al. 2015 PMID: 25741868, with internal and published modifications).

NM_001148.6(ANK2):c.5475T>G (p.Pro1825=)

Genes: ANK2 (ankyrin 2; plus strand), LOC126807136 (MED14-independent group 3 enhancer GRCh37_chr4:114274931-114276130; plus strand). Cytogenetic location: 4q26.
Variant type: single nucleotide variant.
Coding change: c.5475T>G on transcript NM_001148.6 (MANE Select); coding-DNA position 5475, T replaced by G.
Protein change: p.Pro1825=; no amino-acid change (proline 1825 retained).
Molecular consequence: synonymous variant. On other transcripts: intron variant (68).
Genome position (GRCh38, 1-based): chr4:113,354,093, T>G. VCF-style: chr4-113354093-T-G. GRCh37 (hg19) VCF-style: chr4-114275249-T-G.
Other names: c.4468+3844T>G (NM_001354231.2, NM_001354242.2); c.4471+3844T>G (NM_001386144.1, NM_001354240.2, NM_001354241.2); c.1990+3844T>G (NM_001354279.2, NM_001354282.2); c.1975+3844T>G (NM_001354280.2); c.1954+3844T>G (NM_001354278.2, NM_001354281.2); c.826+3844T>G (NM_001386167.1); c.4423+3844T>G (NM_001354246.2, NM_001354265.2, NM_001354235.2); c.4324+3844T>G (NM_001354236.2); and 35 more.
Identifiers: ClinVar variation 4713499 (VCV004713499.2).